The following is an entry in ClinVar:

ClinVar aggregate classification (germline): Uncertain significance (1 of 4 stars; one submission).

Allele frequency attached by ClinVar (database versions not stated): gnomAD 0.00001; gnomAD exomes 0.00001; TOPMed 0.00001.
gnomAD v4.1: 21 of 1,606,744 alleles (0.0013%); highest among the groups gnomAD compares: Non-Finnish European, 0.0015%; no homozygotes.

Submission:

Labcorp Genetics (formerly Invitae), Labcorp
Classification: Uncertain significance. Last evaluated: 2022-07-17. Review status: criteria provided, single submitter. Criteria: Invitae Variant Classification Sherloc (09022015). Collection method: clinical testing. Allele origin: germline.
Comment: This sequence change replaces cysteine, which is neutral and slightly polar, with phenylalanine, which is neutral and non-polar, at codon 839 of the MYO18B protein (p.Cys839Phe). This variant is present in population databases (no rsID available, gnomAD 0.002%). This variant has not been reported in the literature in individuals affected with MYO18B-related conditions. Algorithms developed to predict the effect of missense changes on protein structure and function are either unavailable or do not agree on the potential impact of this missense change (SIFT: "Not Available"; PolyPhen-2: "Probably Damaging"; Align-GVGD: "Not Available"). In summary, the available evidence is currently insufficient to determine the role of this variant in disease. Therefore, it has been classified as a Variant of Uncertain Significance.

NM_032608.7(MYO18B):c.2516G>T (p.Cys839Phe)

Gene: MYO18B (myosin XVIIIB; plus strand). Cytogenetic location: 22q12.1.
Variant type: single nucleotide variant.
Coding change: c.2516G>T on transcript NM_032608.7 (MANE Select); coding-DNA position 2516, G replaced by T.
Protein change: p.Cys839Phe; replaces cysteine 839 with phenylalanine.
Molecular consequence: missense variant.
Genome position (GRCh38, 1-based): chr22:25,798,092, G>T. VCF-style: chr22-25798092-G-T. GRCh37 (hg19) VCF-style: chr22-26194059-G-T.
Other names: c.2516G>T, p.Cys839Phe (NM_001318245.2); short protein forms C839F.
Identifiers: ClinVar variation 1948060 (VCV001948060.4), dbSNP rs1406997195, ClinGen allele CA410996485.